The following is an entry in ClinVar:

NM_007186.6(CEP250):c.4841T>C (p.Leu1614Pro)

Gene: CEP250 (centrosomal protein 250; plus strand). Cytogenetic location: 20q11.22.
Variant type: single nucleotide variant.
Coding change: c.4841T>C on transcript NM_007186.6 (MANE Select); coding-DNA position 4841, T replaced by C.
Protein change: p.Leu1614Pro; replaces leucine 1614 with proline.
Molecular consequence: missense variant.
Genome position (GRCh38, 1-based): chr20:35,503,210, T>C. VCF-style: chr20-35503210-T-C. GRCh37 (hg19) VCF-style: chr20-34091038-T-C.
Other names: c.2945T>C, p.Leu982Pro (NM_001318219.1); short protein forms L1614P, L982P.
Identifiers: ClinVar variation 1019724 (VCV001019724.8), dbSNP rs2064068521, ClinGen allele CA408749781.

ClinVar aggregate classification (germline): Uncertain significance (1 of 4 stars; one submission).

Allele frequency attached by ClinVar (database versions not stated): gnomAD exomes below 0.00001; TOPMed below 0.00001; gnomAD 0.00001.
gnomAD v4.1: 2 of 1,613,840 alleles (0.00012%); highest among the groups gnomAD compares: Non-Finnish European, 0.00017%; no homozygotes.

Submission:

Labcorp Genetics (formerly Invitae), Labcorp
Classification: Uncertain significance. Last evaluated: 2022-10-24. Review status: criteria provided, single submitter. Criteria: Invitae Variant Classification Sherloc (09022015). Collection method: clinical testing. Allele origin: germline.
Comment: In summary, the available evidence is currently insufficient to determine the role of this variant in disease. Therefore, it has been classified as a Variant of Uncertain Significance. Algorithms developed to predict the effect of missense changes on protein structure and function are either unavailable or do not agree on the potential impact of this missense change (SIFT: "Not Available"; PolyPhen-2: "Probably Damaging"; Align-GVGD: "Not Available"). ClinVar contains an entry for this variant (Variation ID: 1019724). This variant has not been reported in the literature in individuals affected with CEP250-related conditions. This variant is not present in population databases (gnomAD no frequency). This sequence change replaces leucine, which is neutral and non-polar, with proline, which is neutral and non-polar, at codon 1614 of the CEP250 protein (p.Leu1614Pro).